The following is an entry in ClinVar:

ClinVar aggregate classification (germline): Pathogenic (1 of 4 stars; one submission).

Conditions:
Juvenile myelomonocytic leukemia (JMML). Also called: LEUKEMIA, JUVENILE MYELOMONOCYTIC, SOMATIC. Identifiers: Orphanet 86834, MedGen C0349639, MONDO:0011908, OMIM 607785, HP:0012209.
Neurofibromatosis-Noonan syndrome (NFNS). Also called: NEUROFIBROMATOSIS WITH NOONAN PHENOTYPE. Identifiers: Orphanet 638, MedGen C2931482, MONDO:0011035, OMIM 601321. Disease mechanism: loss of function.
Café-au-lait macules with pulmonary stenosis (WTSN). Also called: PULMONIC STENOSIS WITH CAFE-AU-LAIT SPOTS. Identifiers: MedGen C0553586, MONDO:0008672, OMIM 193520.
Neurofibromatosis, type 1 (NF1). Also called: Peripheral type neurofibromatosis; VON RECKLINGHAUSEN DISEASE; Neurofibromatosis, type I; NEUROFIBROMATOSIS, TYPE I, SOMATIC. Identifiers: Orphanet 636, MedGen C0027831, MONDO:0018975, OMIM 162200. Disease mechanism: loss of function.
Neurofibromatosis, familial spinal (FSNF). Identifiers: Orphanet 636, MedGen C1834235, MONDO:0008078, OMIM 162210. Disease mechanism: loss of function.

Submission:

Juno Genomics, Hangzhou Juno Genomics, Inc
Classification: Pathogenic for Neurofibromatosis, type 1; Juvenile myelomonocytic leukemia; Neurofibromatosis, familial spinal; Neurofibromatosis-Noonan syndrome; Café-au-lait macules with pulmonary stenosis. Review status: criteria provided, single submitter. Criteria: ACMG Guidelines, 2015. Collection method: clinical testing. Allele origin: germline.
Comment: Absent from controls (or at extremely low frequency if recessive) in Genome Aggregation Database.;Null variant in a gene where loss of function (LOF) is a known mechanism of disease.;De novo (both maternity and paternity confirmed) in a patient with the disease and no family history.;Patient's phenotype or family history is highly specific for a disease with a single genetic etiology.

NM_001042492.3(NF1):c.847del (p.Asp283fs)

Gene: NF1 (neurofibromin 1; plus strand). Cytogenetic location: 17q11.2.
Variant type: Deletion.
Coding change: c.847del on transcript NM_001042492.3 (MANE Select); coding-DNA position 847, one base deleted (G; older notation c.847delG).
Protein change: p.Asp283fs; shifts the reading frame from aspartic acid 283.
Molecular consequence: frameshift variant.
Genome position (GRCh38, 1-based): chr17:31,182,624, G deleted; the last of 2 consecutive G bases (chr17:31,182,623-31,182,624); deleting either gives the same sequence. VCF-style (leftmost placement, unchanged base first): chr17-31182622-AG-A. GRCh37 (hg19) VCF-style: chr17-29509640-AG-A.
Other names: c.847del, p.Asp283fs (NM_000267.4, NM_001128147.3); short protein forms D283fs.
Identifiers: ClinVar variation 5005729 (VCV005005729.2).
Genomic context (GRCh38, chr17:31,182,622, plus strand): 5'-GTAAAGCAGCAGTTTGGCCACTACAAATCATTCTCCTTATCTTGTGTCCAGAAATAATCC[AG>A]GATATATCCAAAGACGTGGTTGATGAAAACAACATGAATAAGGTAAGGAGGGCAAAATTA-3'